The following is an entry in ClinVar:

ClinVar aggregate classification (germline): Likely benign. Review status: criteria provided, multiple submitters, no conflicts (2 of 4 stars). 3 submissions from 3 submitters: Likely benign (2). 1 of the submissions does not count toward it. Last evaluated 2025-07-27.

Conditions:
CREBBP-related disorder. Also called: CREBBP-related disorders; CREBBP-related condition.
Rubinstein-Taybi syndrome (RSTS). Identifiers: Orphanet 783, MedGen C0035934, MONDO:0019188.

Allele frequency attached by ClinVar (database versions not stated): ExAC 0.00004; gnomAD 0.00004; TOPMed 0.00005; ESP Exome Variant Server 0.00008.
gnomAD v4.1: 195 of 1,614,036 alleles (0.012%); highest among the groups gnomAD compares: Non-Finnish European, 0.016%; no homozygotes.

Submissions (3):

Labcorp Genetics (formerly Invitae), Labcorp
Classification: Likely benign for Rubinstein-Taybi syndrome. Last evaluated: 2025-07-27. Review status: criteria provided, single submitter. Criteria: Invitae Variant Classification Sherloc (09022015). Collection method: clinical testing. Allele origin: germline.

Blueprint Genetics
Classification: Likely benign. Last evaluated: 2021-01-05. Review status: criteria provided, single submitter. Criteria: ACMG Guidelines, 2015. Collection method: clinical testing. Allele origin: germline.

PreventionGenetics, part of Exact Sciences
Classification: Likely benign for CREBBP-related condition. Last evaluated: 2023-04-18. Review status: no assertion criteria provided. Collection method: clinical testing. Allele origin: germline. Not counted in ClinVar's aggregate classification.
Comment: This variant is classified as likely benign based on ACMG/AMP sequence variant interpretation guidelines (Richards et al. 2015 PMID: 25741868, with internal and published modifications).

NM_004380.3(CREBBP):c.4133+7G>A

Gene: CREBBP (CREB binding lysine acetyltransferase; minus strand). Cytogenetic location: 16p13.3.
Variant type: single nucleotide variant.
Coding change: c.4133+7G>A on transcript NM_004380.3 (MANE Select); 7 bases into the intron after coding-DNA position 4133, G replaced by A.
Molecular consequence: intron variant.
Genome position (GRCh38, 1-based): chr16:3,740,392, C>T on the plus strand (G>A on the coding strand, the complement: CREBBP is on the minus strand). VCF-style: chr16-3740392-C-T. GRCh37 (hg19) VCF-style: chr16-3790393-C-T.
Other names: c.4019+7G>A (NM_001079846.1); c.4133+7G>A (NM_004380.2).
Identifiers: ClinVar variation 2072076 (VCV002072076.7), dbSNP rs369078848, ClinGen allele CA7869618.
Genomic context (GRCh38, chr16:3,740,392, plus strand): 5'-AGAGCAGGCTCTGGCAAGCGGGCGTGGGGACTGCTCGCAGAGCACTGTAGAGAGCAGGCA[C>T]ACTGACCGTGACTTCATCCCGGGCTTGACCTCCACCGTCTTGTCTGAGCTGGCCACCACT-3'